The following is an entry in ClinVar:

ClinVar aggregate classification (germline): Uncertain significance. Review status: criteria provided, multiple submitters, no conflicts (2 of 4 stars). 3 submissions from 3 submitters: Uncertain significance (3). Last evaluated 2026-05-07.

Conditions:
Hereditary sensory and autonomic neuropathy type 7. Also called: HSAN VII; Neuropathy, hereditary sensory and autonomic, type VII. Identifiers: Orphanet 391397, MedGen C3809882, MONDO:0014244, OMIM 615548.
Familial episodic pain syndrome with predominantly lower limb involvement. Also called: Episodic pain syndrome, familial, 3. Identifiers: Orphanet 391384, Orphanet 391392, MedGen C3809899, MONDO:0014247, OMIM 615552.

Allele frequency attached by ClinVar (database versions not stated): gnomAD exomes 0.00001; gnomAD 0.00001.
gnomAD v4.1: 16 of 1,613,542 alleles (0.00099%); highest among the groups gnomAD compares: Non-Finnish European, 0.0013%; no homozygotes.

Submissions (3):

Women's Health and Genetics/Laboratory Corporation of America, LabCorp
Classification: Uncertain significance. Last evaluated: 2026-05-07. Review status: criteria provided, single submitter. Criteria: LabCorp Variant Classification Summary - May 2015. Collection method: clinical testing. Allele origin: germline.
Comment: Variant summary: SCN11A c.3790T>C (p.Tyr1264His) results in a conservative amino acid change in the encoded protein sequence. Algorithms developed to predict the effect of missense changes on protein structure and function are either unavailable or do not agree on the potential impact of this missense change. The variant was absent in 250678 control chromosomes. The available data on variant occurrences in the general population are insufficient to allow any conclusion about variant significance. To our knowledge, no occurrence of c.3790T>C in individuals affected with SCN11A-related conditions and no experimental evidence demonstrating its impact on protein function have been reported. ClinVar contains an entry for this variant (Variation ID: 838511). Based on the evidence outlined above, the variant was classified as uncertain significance.

Revvity Omics, Revvity
Classification: Uncertain significance. Last evaluated: 2023-05-19. Review status: criteria provided, single submitter. Criteria: ACMG Guidelines, 2015. Collection method: clinical testing. Allele origin: germline.

Labcorp Genetics (formerly Invitae), Labcorp
Classification: Uncertain significance for Familial episodic pain syndrome with predominantly lower limb involvement; Hereditary sensory and autonomic neuropathy type 7. Last evaluated: 2020-09-26. Review status: criteria provided, single submitter. Criteria: Invitae Variant Classification Sherloc (09022015). Collection method: clinical testing. Allele origin: germline.
Comment: In summary, the available evidence is currently insufficient to determine the role of this variant in disease. Therefore, it has been classified as a Variant of Uncertain Significance. Algorithms developed to predict the effect of missense changes on protein structure and function output the following: SIFT: "Tolerated"; PolyPhen-2: "Benign"; Align-GVGD: "Class C0". The histidine amino acid residue is found in multiple mammalian species, suggesting that this missense change does not adversely affect protein function. These predictions have not been confirmed by published functional studies and their clinical significance is uncertain. This variant has not been reported in the literature in individuals with SCN11A-related conditions. This variant is not present in population databases (ExAC no frequency). This sequence change replaces tyrosine with histidine at codon 1264 of the SCN11A protein (p.Tyr1264His). The tyrosine residue is moderately conserved and there is a moderate physicochemical difference between tyrosine and histidine.

NM_001349253.2(SCN11A):c.3790T>C (p.Tyr1264His)

Gene: SCN11A (sodium voltage-gated channel alpha subunit 11; minus strand). Cytogenetic location: 3p22.2.
Variant type: single nucleotide variant.
Coding change: c.3790T>C on transcript NM_001349253.2 (MANE Select); coding-DNA position 3790, T replaced by C.
Protein change: p.Tyr1264His; replaces tyrosine 1264 with histidine.
Molecular consequence: missense variant.
Genome position (GRCh38, 1-based): chr3:38,870,714, A>G on the plus strand (T>C on the coding strand, the complement: SCN11A is on the minus strand). VCF-style: chr3-38870714-A-G. GRCh37 (hg19) VCF-style: chr3-38912205-A-G.
Other names: c.3790T>C, p.Tyr1264His (NM_014139.3); short protein forms Y1264H.
Identifiers: ClinVar variation 838511 (VCV000838511.9), dbSNP rs2065111859, ClinGen allele CA352169622.